The following is an entry in ClinVar:

NM_213649.2(SFXN4):c.819-1G>C

Gene: SFXN4 (sideroflexin 4; minus strand). Cytogenetic location: 10q26.11.
Variant type: single nucleotide variant.
Coding change: c.819-1G>C on transcript NM_213649.2 (MANE Select); the canonical splice acceptor site of the intron before coding-DNA position 819, G replaced by C.
Molecular consequence: splice acceptor variant.
Genome position (GRCh38, 1-based): chr10:119,146,354, C>G on the plus strand (G>C on the coding strand, the complement: SFXN4 is on the minus strand). VCF-style: chr10-119146354-C-G. GRCh37 (hg19) VCF-style: chr10-120905866-C-G.
Identifiers: ClinVar variation 2076813 (VCV002076813.1), dbSNP rs781171561, ClinGen allele CA214164726.

ClinVar aggregate classification (germline): Likely pathogenic (1 of 4 stars; one submission).

Allele frequency attached by ClinVar (database versions not stated): gnomAD 0.00001; gnomAD exomes 0.00003.
gnomAD v4.1: 45 of 1,572,646 alleles (0.0029%); highest among the groups gnomAD compares: Non-Finnish European, 0.0037%; no homozygotes.

Submission:

Labcorp Genetics (formerly Invitae), Labcorp
Classification: Likely pathogenic. Last evaluated: 2022-07-05. Review status: criteria provided, single submitter. Criteria: Invitae Variant Classification Sherloc (09022015). Collection method: clinical testing. Allele origin: germline.
Comment: This sequence change affects an acceptor splice site in intron 12 of the SFXN4 gene. It is expected to disrupt RNA splicing. Variants that disrupt the donor or acceptor splice site typically lead to a loss of protein function (PMID: 16199547), and loss-of-function variants in SFXN4 are known to be pathogenic (PMID: 24119684). This variant is present in population databases (rs781171561, gnomAD 0.003%). This variant has not been reported in the literature in individuals affected with SFXN4-related conditions. Algorithms developed to predict the effect of sequence changes on RNA splicing suggest that this variant may disrupt the consensus splice site. In summary, the currently available evidence indicates that the variant is pathogenic, but additional data are needed to prove that conclusively. Therefore, this variant has been classified as Likely Pathogenic.

Literature cited by the submitters: PubMed 16199547; PubMed 24119684.